The following is an entry in ClinVar:

NM_001329943.3(KIAA0586):c.3151G>C (p.Val1051Leu)

Gene: KIAA0586 (KIAA0586; plus strand). Cytogenetic location: 14q23.1.
Variant type: single nucleotide variant.
Coding change: c.3151G>C on transcript NM_001329943.3 (MANE Select); coding-DNA position 3151, G replaced by C.
Protein change: p.Val1051Leu; replaces valine 1051 with leucine.
Molecular consequence: missense variant.
Genome position (GRCh38, 1-based): chr14:58,487,013, G>C. VCF-style: chr14-58487013-G-C. GRCh37 (hg19) VCF-style: chr14-58953731-G-C.
Other names: c.2731G>C, p.Val911Leu (NM_001244193.2); c.3151G>C, p.Val1051Leu (NM_001329944.2, NM_001329946.2, NM_001329947.2); c.2896G>C, p.Val966Leu (NM_001329945.2, NM_001364700.1, NM_001364701.2 and 1 more transcripts); c.2923G>C, p.Val975Leu (NM_014749.5); c.3310G>C, p.Val1104Leu (NM_001244189.2); c.3106G>C, p.Val1036Leu (NM_001244190.2); c.3019G>C, p.Val1007Leu (NM_001244192.2); short protein forms V975L, V1007L, V1036L, V911L, V1051L, V1104L, V966L.
Identifiers: ClinVar variation 2372436 (VCV002372436.10), dbSNP rs563467903, ClinGen allele CA7206078.

ClinVar aggregate classification (germline): Uncertain significance. Review status: criteria provided, multiple submitters, no conflicts (2 of 4 stars). 2 submissions from 2 submitters: Uncertain significance (2). Last evaluated 2025-03-01.

Conditions:
Inborn genetic diseases. Identifiers: MedGen C0950123, MeSH D030342.

Allele frequency attached by ClinVar (database versions not stated): ExAC 0.00001; gnomAD exomes 0.00001; TOPMed 0.00001; 1000 Genomes Project 30x 0.00016; 1000 Genomes Project 0.00020.
gnomAD v4.1: 12 of 1,601,844 alleles (0.00075%); highest among the groups gnomAD compares: East Asian, 0.025%; no homozygotes.

Submissions (2):

CeGaT Center for Human Genetics Tuebingen
Classification: Uncertain significance. Last evaluated: 2025-03-01. Review status: criteria provided, single submitter. Criteria: CeGaT Center For Human Genetics Tuebingen Variant Classification Criteria Version 2. Collection method: clinical testing. Allele origin: germline. Affected: yes. Observed: 1 variant allele.
Comment: KIAA0586: PM2, BP4

Ambry Genetics
Classification: Uncertain significance for Inborn genetic diseases. Last evaluated: 2024-10-29. Review status: criteria provided, single submitter. Criteria: Ambry Variant Classification Scheme 2023. Collection method: clinical testing. Allele origin: germline.